The following is an entry in ClinVar:

NM_005120.3(MED12):c.5185C>A (p.His1729Asn)

Gene: MED12 (mediator complex subunit 12; plus strand). Cytogenetic location: Xq13.1.
Variant type: single nucleotide variant.
Coding change: c.5185C>A on transcript NM_005120.3 (MANE Select); coding-DNA position 5185, C replaced by A.
Protein change: p.His1729Asn; replaces histidine 1729 with asparagine.
Molecular consequence: missense variant.
Genome position (GRCh38, 1-based): chrX:71,136,440, C>A. VCF-style: chrX-71136440-C-A. GRCh37 (hg19) VCF-style: chrX-70356290-C-A.
Other names: short protein forms H1729N.
Identifiers: ClinVar variation 50281 (VCV000050281.4), dbSNP rs387907362, ClinGen allele CA143732.

ClinVar aggregate classification (germline): Pathogenic. Review status: no assertion criteria provided (0 of 4 stars). 2 submissions from 2 submitters: Pathogenic (1). 1 of the submissions does not count toward it. Last evaluated 2013-03-07.

Conditions:
Blepharophimosis - intellectual disability syndrome, MKB type. Also called: X-Linked Ohdo Syndrome (XLOS); BLEPHAROPHIMOSIS-MENTAL RETARDATION SYNDROME, MAAT-KIEVIT-BRUNNER TYPE; Ohdo syndrome, X-linked. Identifiers: Orphanet 293707, MedGen C3698541, MONDO:0010477, OMIM 300895.
FG syndrome 1 (OKS). Also called: MENTAL RETARDATION, LARGE HEAD, IMPERFORATE ANUS, CONGENITAL HYPOTONIA, AND PARTIAL AGENESIS OF CORPUS CALLOSUM; KELLER SYNDROME; OPITZ-KAVEGGIA SYNDROME; FG Syndrome Type 1 (FGS1). Identifiers: Orphanet 93932, MedGen C5399762, MONDO:0010590, OMIM 305450.

Submissions (2):

OMIM
Classification: Pathogenic for OHDO SYNDROME, X-LINKED. Last evaluated: 2013-03-07. Review status: no assertion criteria provided. Collection method: literature only. Allele origin: germline.

GeneReviews
No classification provided. Condition: FG syndrome. Review status: no classification provided. Collection method: literature only. Allele origin: germline. Not counted in ClinVar's aggregate classification.

Literature cited by the submitters: PubMed 23395478 (cited by OMIM and GeneReviews); PubMed 20301719 (cited by GeneReviews).